The following is an entry in ClinVar:

ClinVar aggregate classification (germline): Uncertain significance. Review status: criteria provided, multiple submitters, no conflicts (2 of 4 stars). 2 submissions from 2 submitters: Uncertain significance (2). Last evaluated 2023-07-23.

Conditions:
Cardiovascular phenotype. Identifiers: MedGen CN230736.

Allele frequency attached by ClinVar (database versions not stated): ExAC 0.00001; gnomAD 0.00001; ESP Exome Variant Server 0.00008.
gnomAD v4.1: 21 of 1,613,816 alleles (0.0013%); highest among the groups gnomAD compares: Non-Finnish European, 0.0018%; no homozygotes.

Submissions (2):

Ambry Genetics
Classification: Uncertain significance for Cardiovascular phenotype. Last evaluated: 2023-07-23. Review status: criteria provided, single submitter. Criteria: Ambry Variant Classification Scheme 2023. Collection method: clinical testing. Allele origin: germline.
Comment: The p.D209E variant (also known as c.627T>G), located in coding exon 8 of the TXNRD2 gene, results from a T to G substitution at nucleotide position 627. The aspartic acid at codon 209 is replaced by glutamic acid, an amino acid with highly similar properties. This amino acid position is conserved. In addition, the in silico prediction for this alteration is inconclusive. Since supporting evidence is limited at this time, the clinical significance of this alteration remains unclear.

GeneDx
Classification: Uncertain significance. Last evaluated: 2021-04-16. Review status: criteria provided, single submitter. Criteria: GeneDx Variant Classification Process June 2021. Collection method: clinical testing. Allele origin: germline. Affected: yes.
Comment: Has not been previously published as pathogenic or benign to our knowledge; Not observed at a significant frequency in large population cohorts (Lek et al., 2016); In silico analysis supports that this missense variant has a deleterious effect on protein structure/function

NM_006440.5(TXNRD2):c.627T>G (p.Asp209Glu)

Gene: TXNRD2 (thioredoxin reductase 2; minus strand). Cytogenetic location: 22q11.21.
Variant type: single nucleotide variant.
Coding change: c.627T>G on transcript NM_006440.5 (MANE Select); coding-DNA position 627, T replaced by G.
Protein change: p.Asp209Glu; replaces aspartic acid 209 with glutamic acid.
Molecular consequence: missense variant. On other transcripts: non-coding transcript variant (1).
Genome position (GRCh38, 1-based): chr22:19,911,412, A>C on the plus strand (T>G on the coding strand, the complement: TXNRD2 is on the minus strand). VCF-style: chr22-19911412-A-C. GRCh37 (hg19) VCF-style: chr22-19898935-A-C.
Other names: c.627T>G, p.Asp209Glu (NM_001282512.3); c.624T>G, p.Asp208Glu (NM_001352300.2); c.537T>G, p.Asp179Glu (NM_001352301.2); c.339T>G, p.Asp113Glu (NM_001352302.2); c.531T>G, p.Asp177Glu (NM_001352303.2); short protein forms D113E, D177E, D179E, D208E, D209E.
Identifiers: ClinVar variation 1319018 (VCV001319018.4), dbSNP rs376336621, ClinGen allele CA10104081.